The following is an entry in ClinVar:

NM_001197104.2(KMT2A):c.6248dup (p.Pro2084fs)

Gene: KMT2A (lysine methyltransferase 2A; plus strand). Cytogenetic location: 11q23.3.
Variant type: Duplication.
Coding change: c.6248dup on transcript NM_001197104.2 (MANE Select); coding-DNA position 6248, one base duplicated (A; older notation c.6248dupA).
Protein change: p.Pro2084fs; shifts the reading frame from proline 2084.
Molecular consequence: frameshift variant.
Genome position (GRCh38, 1-based): chr11:118,501,076, A duplicated. VCF-style (leftmost placement, unchanged base first): chr11-118501075-G-GA. GRCh37 (hg19) VCF-style: chr11-118371790-G-GA.
Other names: c.6338dup, p.Pro2114fs (NM_001412597.1); c.6239dup, p.Pro2081fs (NM_005933.4); short protein forms P2081fs, P2084fs, P2114fs.
Identifiers: ClinVar variation 3773824 (VCV003773824.1).

ClinVar aggregate classification (germline): Pathogenic (1 of 4 stars; one submission).

Conditions:
Wiedemann-Steiner syndrome (WDSTS). Also called: Growth deficiency and mental retardation with facial dysmorphism. Identifiers: Orphanet 319182, MedGen C1854630, MONDO:0011518, OMIM 605130.

Submission:

Rady Children's Institute for Genomic Medicine, Rady Children's Hospital San Diego
Classification: Pathogenic for WIEDEMANN-STEINER SYNDROME. Last evaluated: 2024-05-07. Review status: criteria provided, single submitter. Criteria: ACMG Guidelines, 2015. Collection method: clinical testing. Allele origin: germline. Affected: yes.
Comment: This frameshifting variant in exon 25 of 36 is predicted to result in loss of normal protein function through either protein truncation or nonsense-mediated mRNA decay. Loss-of-function variation in KMT2A is an established mechanism of disease (PMID: 22795537, 35328068). This variant has not been previously reported or functionally characterized in the literature to our knowledge. The c.6248dup (p.Pro2084AlafsTer8) variant is absent from the gnomAD v4 population database and thus is presumed to be rare. Analysis of the parental samples was negative for the variant, indicating this variant likely occurred as a de novo event. Based on the available evidence, c.6248dup (p.Pro2084AlafsTer8) is classified as Pathogenic.